The following is an entry in ClinVar:

ClinVar aggregate classification (germline): Likely pathogenic (0 of 4 stars; one submission).

Conditions:
CLCN2-related disorder. Also called: CLCN2-related condition; CLCN2-related disorders.

Allele frequency attached by ClinVar (database versions not stated): gnomAD exomes below 0.00001.
gnomAD v4.1: 1 of 1,612,264 alleles (0.000062%); highest among the groups gnomAD compares: Non-Finnish European, 0.000085%; no homozygotes.

Submission:

PreventionGenetics, part of Exact Sciences
Classification: Likely pathogenic for CLCN2-related condition. Last evaluated: 2023-12-01. Review status: no assertion criteria provided. Collection method: clinical testing. Allele origin: germline.
Comment: The CLCN2 c.1855+2T>C variant is predicted to disrupt the GT donor site and interfere with normal splicing. To our knowledge, this variant has not been reported in the literature or in a large population database, indicating this variant is rare. Variants that disrupt the consensus splice donor site in CLCN2 are expected to be pathogenic. This variant is interpreted as likely pathogenic.

NM_004366.6(CLCN2):c.1855+2T>C

Gene: CLCN2 (chloride voltage-gated channel 2; minus strand). Cytogenetic location: 3q27.1.
Variant type: single nucleotide variant.
Coding change: c.1855+2T>C on transcript NM_004366.6 (MANE Select); the canonical splice donor site of the intron after coding-DNA position 1855, T replaced by C.
Molecular consequence: splice donor variant.
Genome position (GRCh38, 1-based): chr3:184,353,660, A>G on the plus strand (T>C on the coding strand, the complement: CLCN2 is on the minus strand). VCF-style: chr3-184353660-A-G. GRCh37 (hg19) VCF-style: chr3-184071448-A-G.
Other names: c.1723+2T>C (NM_001171088.3); c.1804+2T>C (NM_001171087.3); c.1855+2T>C (NM_001171089.3).
Identifiers: ClinVar variation 2637109 (VCV002637109.3), dbSNP rs2474240689, ClinGen allele CA355449120.